The following is an entry in ClinVar:

ClinVar aggregate classification (germline): Likely benign (1 of 4 stars; one submission).

Allele frequency attached by ClinVar (database versions not stated): TOPMed 0.00002; ExAC 0.00007.
gnomAD v4.1: 47 of 1,610,732 alleles (0.0029%); highest among the groups gnomAD compares: South Asian, 0.036%; no homozygotes.

Submission:

GeneDx
Classification: Likely benign. Last evaluated: 2017-11-10. Review status: criteria provided, single submitter. Criteria: GeneDx Variant Classification (06012015). Collection method: clinical testing. Allele origin: germline. Affected: yes.
Comment: This variant is considered likely benign or benign based on one or more of the following criteria: it is a conservative change, it occurs at a poorly conserved position in the protein, it is predicted to be benign by multiple in silico algorithms, and/or has population frequency not consistent with disease.

NM_005422.4(TECTA):c.6459G>A (p.Thr2153=)

Genes: TBCEL-TECTA (TBCEL-TECTA readthrough; plus strand), TECTA (tectorin alpha; plus strand). Cytogenetic location: 11q23.3.
Variant type: single nucleotide variant.
Coding change: c.6459G>A on transcript NM_005422.4 (MANE Select); coding-DNA position 6459, G replaced by A.
Protein change: p.Thr2153=; no amino-acid change (threonine 2153 retained).
Molecular consequence: synonymous variant.
Genome position (GRCh38, 1-based): chr11:121,190,797, G>A. VCF-style: chr11-121190797-G-A. GRCh37 (hg19) VCF-style: chr11-121061506-G-A.
Other names: c.7401G>A, p.Thr2467= (NM_001378761.1).
Identifiers: ClinVar variation 512700 (VCV000512700.1), dbSNP rs764337303, ClinGen allele CA6327995.
Genomic context (GRCh38, chr11:121,190,797, plus strand): 5'-GACGCTTCTTCTCATCATGATCCAGATTTCATTATGGCATTTTGTCTATAAATCAGGCAC[G>A]ACCTCATAATTAACTCAAGGTTGCTATATAAAGTACTGTAATTTACTTACTTCAACACCC-3'
Protein context (NP_005413.2, residues 2143-2155): SLWHFVYKSG[Thr2153=]TS